The following is an entry in ClinVar:

NM_001987.5(ETV6):c.341A>G (p.Tyr114Cys)

Gene: ETV6 (ETS variant transcription factor 6; plus strand). Cytogenetic location: 12p13.2.
Variant type: single nucleotide variant.
Coding change: c.341A>G on transcript NM_001987.5 (MANE Select); coding-DNA position 341, A replaced by G.
Protein change: p.Tyr114Cys; replaces tyrosine 114 with cysteine.
Molecular consequence: missense variant.
Genome position (GRCh38, 1-based): chr12:11,853,439, A>G. VCF-style: chr12-11853439-A-G. GRCh37 (hg19) VCF-style: chr12-12006373-A-G.
Other names: c.338A>G, p.Tyr113Cys (NM_001413913.1); c.314A>G, p.Tyr105Cys (NM_001413914.1); c.77A>G, p.Tyr26Cys (NM_001413915.1); c.341A>G, p.Tyr114Cys (NM_001413916.1, NM_001413917.1); short protein forms Y113C, Y114C, Y26C, Y105C.
Identifiers: ClinVar variation 4020099 (VCV004020099.1).
Genomic context (GRCh38, chr12:11,853,439, plus strand): 5'-GAAAAACATCTTTCCATTTCTCGATTTCCCTTTCCTTTTTCTTTCCAGGTGATGTGCTCT[A>G]TGAACTCCTTCAGCATATTCTGAAGCAGAGGAAACCTCGGATTCTTTTTTCACCATTCTT-3'
Protein context (NP_001978.1, residues 104-124): YRSPHSGDVL[Tyr114Cys]ELLQHILKQR

ClinVar aggregate classification (germline): Uncertain significance (1 of 4 stars; one submission).

Conditions:
Inborn genetic diseases. Identifiers: MedGen C0950123, MeSH D030342.

gnomAD v4.1: 2 of 1,614,054 alleles (0.00012%); highest among the groups gnomAD compares: African/African-American, 0.0013%; no homozygotes.

Submission:

Ambry Genetics
Classification: Uncertain significance for Inborn genetic diseases. Last evaluated: 2025-05-15. Review status: criteria provided, single submitter. Criteria: Ambry Variant Classification Scheme 2023. Collection method: clinical testing. Allele origin: germline.
Comment: The p.Y114C variant (also known as c.341A>G), located in coding exon 4 of the ETV6 gene, results from an A to G substitution at nucleotide position 341. The tyrosine at codon 114 is replaced by cysteine, an amino acid with highly dissimilar properties. This amino acid position is conserved. In addition, this alteration is predicted to be deleterious by in silico analysis. Based on the available evidence, the clinical significance of this variant remains unclear.